The following is an entry in ClinVar:

ClinVar aggregate classification (germline): Pathogenic (1 of 4 stars; one submission).

Conditions:
Baller-Gerold syndrome (BGS). Also called: CRANIOSYNOSTOSIS WITH RADIAL DEFECTS. Identifiers: Orphanet 1225, MedGen C0265308, MONDO:0009039, OMIM 218600.

gnomAD v4.1: 1 of 1,612,132 alleles (0.000062%); highest among the groups gnomAD compares: Non-Finnish European, 0.000085%; no homozygotes.

Submission:

Labcorp Genetics (formerly Invitae), Labcorp
Classification: Pathogenic for Baller-Gerold syndrome. Last evaluated: 2024-08-29. Review status: criteria provided, single submitter. Criteria: Invitae Variant Classification Sherloc (09022015). Collection method: clinical testing. Allele origin: germline.
Comment: This sequence change creates a premature translational stop signal (p.Glu928*) in the RECQL4 gene. It is expected to result in an absent or disrupted protein product. Loss-of-function variants in RECQL4 are known to be pathogenic (PMID: 12734318, 12952869). This variant is not present in population databases (gnomAD no frequency). This variant has not been reported in the literature in individuals affected with RECQL4-related conditions. Algorithms developed to predict the effect of sequence changes on RNA splicing suggest that this variant may create or strengthen a splice site. For these reasons, this variant has been classified as Pathogenic.

Literature cited by the submitters: PubMed 12734318; PubMed 12952869.

NM_004260.4(RECQL4):c.2782G>T (p.Glu928Ter)

Gene: RECQL4 (RecQ like helicase 4; minus strand). Cytogenetic location: 8q24.3.
Variant type: single nucleotide variant.
Coding change: c.2782G>T on transcript NM_004260.4 (MANE Select); coding-DNA position 2782, G replaced by T.
Protein change: p.Glu928Ter; replaces glutamic acid 928 with a stop codon.
Molecular consequence: nonsense. On other transcripts: non-coding transcript variant (3).
Genome position (GRCh38, 1-based): chr8:144,512,745, C>A on the plus strand (G>T on the coding strand, the complement: RECQL4 is on the minus strand). VCF-style: chr8-144512745-C-A. GRCh37 (hg19) VCF-style: chr8-145738128-C-A.
Other names: c.1711G>T, p.Glu571Ter (NM_001413022.1, NM_001413024.1, NM_001413028.1 and 4 more transcripts); c.1786G>T, p.Glu596Ter (NM_001413023.1); c.2653G>T, p.Glu885Ter (NM_001413025.1); c.1645G>T, p.Glu549Ter (NM_001413027.1, NM_001413030.1, NM_001413032.1); c.2431G>T, p.Glu811Ter (NM_001413029.1); c.1513G>T, p.Glu505Ter (NM_001413031.1, NM_001413038.1); c.2650G>T, p.Glu884Ter (NM_001413033.1); c.2782G>T, p.Glu928Ter (NM_001413036.1); and 9 more; short protein forms E439*, E574*, E811*, E918*, E596*, E830*, E884*, E885*.
Identifiers: ClinVar variation 3727304 (VCV003727304.2).